The following is an entry in ClinVar:

NM_006005.3(WFS1):c.1606G>C (p.Val536Leu)

Gene: WFS1 (wolframin ER transmembrane glycoprotein; plus strand). Cytogenetic location: 4p16.1.
Variant type: single nucleotide variant.
Coding change: c.1606G>C on transcript NM_006005.3 (MANE Select); coding-DNA position 1606, G replaced by C.
Protein change: p.Val536Leu; replaces valine 536 with leucine.
Molecular consequence: missense variant.
Genome position (GRCh38, 1-based): chr4:6,301,401, G>C. VCF-style: chr4-6301401-G-C. GRCh37 (hg19) VCF-style: chr4-6303128-G-C.
Other names: c.1606G>C, p.Val536Leu (NM_001145853.1); short protein forms V536L.
Identifiers: ClinVar variation 2151042 (VCV002151042.4), dbSNP rs1441402203, ClinGen allele CA356176224.

ClinVar aggregate classification (germline): Uncertain significance (1 of 4 stars; one submission).

Allele frequency attached by ClinVar (database versions not stated): gnomAD 0.00001.

Submission:

Labcorp Genetics (formerly Invitae), Labcorp
Classification: Uncertain significance. Last evaluated: 2024-09-06. Review status: criteria provided, single submitter. Criteria: Invitae Variant Classification Sherloc (09022015). Collection method: clinical testing. Allele origin: germline.
Comment: This sequence change replaces valine, which is neutral and non-polar, with leucine, which is neutral and non-polar, at codon 536 of the WFS1 protein (p.Val536Leu). This variant is present in population databases (no rsID available, gnomAD 0.002%). This variant has not been reported in the literature in individuals affected with WFS1-related conditions. ClinVar contains an entry for this variant (Variation ID: 2151042). Invitae Evidence Modeling of protein sequence and biophysical properties (such as structural, functional, and spatial information, amino acid conservation, physicochemical variation, residue mobility, and thermodynamic stability) has been performed for this missense variant. However, the output from this modeling did not meet the statistical confidence thresholds required to predict the impact of this variant on WFS1 protein function. In summary, the available evidence is currently insufficient to determine the role of this variant in disease. Therefore, it has been classified as a Variant of Uncertain Significance.